The following is an entry in ClinVar:

ClinVar aggregate classification (germline): Uncertain significance. Review status: criteria provided, single submitter (1 of 4 stars). 3 submissions from 3 submitters: Uncertain significance (1). 2 of the submissions do not count toward it. Last evaluated 2025-01-27.

Allele frequency attached by ClinVar (database versions not stated): gnomAD exomes below 0.00001 and 0.00002; gnomAD 0.00001; TOPMed 0.00001.
gnomAD v4.1: 10 of 1,609,778 alleles (0.00062%); highest among the groups gnomAD compares: Non-Finnish European, 0.00085%; no homozygotes.

Submissions (3):

GeneDx
Classification: Uncertain significance. Last evaluated: 2025-01-27. Review status: criteria provided, single submitter. Criteria: GeneDx Variant Classification Process June 2021. Collection method: clinical testing. Allele origin: germline. Affected: yes.
Comment: Not observed at significant frequency in large population cohorts (gnomAD); In silico analysis indicates that this variant does not alter splicing; Has not been previously published as pathogenic or benign to our knowledge

Clinical Genetics DNA and cytogenetics Diagnostics Lab, Erasmus MC, Erasmus Medical Center
Classification: Likely benign. Review status: no assertion criteria provided. Collection method: clinical testing. Allele origin: germline. Affected: yes. Study: VKGL Data-share Consensus. Not counted in ClinVar's aggregate classification.

Diagnostic Laboratory, Department of Genetics, University Medical Center Groningen
Classification: Likely benign. Review status: no assertion criteria provided. Collection method: clinical testing. Allele origin: germline. Affected: yes. Study: VKGL Data-share Consensus. Not counted in ClinVar's aggregate classification.

NM_001267550.2(TTN):c.33664+5A>G

Gene: TTN (titin; minus strand). Cytogenetic location: 2q31.2.
Variant type: single nucleotide variant.
Coding change: c.33664+5A>G on transcript NM_001267550.2 (MANE Select); 5 bases into the intron after coding-DNA position 33664, A replaced by G.
Molecular consequence: intron variant.
Genome position (GRCh38, 1-based): chr2:178,679,594, T>C on the plus strand (A>G on the coding strand, the complement: TTN is on the minus strand). VCF-style: chr2-178679594-T-C. GRCh37 (hg19) VCF-style: chr2-179544321-T-C.
Other names: c.13283-37277A>G (NM_003319.4); c.13859-37277A>G (NM_133437.4); c.13658-37277A>G (NM_133432.3); c.29932+5A>G (NM_133378.4); c.32713+5A>G (NM_001256850.1).
Identifiers: ClinVar variation 1174951 (VCV001174951.5), dbSNP rs548811016, ClinGen allele CA60982930.
Genomic context (GRCh38, chr2:178,679,594, plus strand): 5'-AAGAAAGTTAACTATTTCTAGGCAGATGAAGTCTCTTAGATACCCGTCAATGAATGGTGG[T>C]GTACCTTTTGCCGGTGGAGCTTCCTTCTTCTTGGGAACAGGAACAGGTTTCTTCTCTTCT-3'